The following is an entry in ClinVar:

ClinVar aggregate classification (germline): Pathogenic (1 of 4 stars; one submission).

Conditions:
Ovarian neoplasm. Also called: Neoplasm of ovary; Ovarian tumor; Ovarian Neoplasms. Identifiers: MedGen C0919267, MeSH D010051, MONDO:0021068, HP:0100615.

Submissions (2):

Human Cancer Genomic Research, King Faisal Specialist Hospital and Research Center
Classification: Pathogenic for Ovarian cancer. Last evaluated: 2018-11-12. Review status: criteria provided, single submitter. Criteria: ACMG Guidelines, 2015. Collection method: research. Allele origin: germline. Affected: yes. Observed: 1 heterozygote.

Brotman Baty Institute, University of Washington
No classification provided (evidence only). Condition: Breast-ovarian cancer, familial 1. Review status: no classification provided. Collection method: in vitro. Allele origin: not applicable. Functional consequence: functionally_abnormal. Not counted in ClinVar's aggregate classification.
ClinVar note: "not provided" was previously submitted as the classification for the variant. However, the classification appeared to be based only on an observation of functional data so it was converted to no classification on 2025-07-30.

NM_007294.4(BRCA1):c.5152+2T>G

Gene: BRCA1 (BRCA1 DNA repair associated; minus strand). Cytogenetic location: 17q21.31.
Variant type: single nucleotide variant.
Coding change: c.5152+2T>G on transcript NM_007294.4 (MANE Select); the canonical splice donor site of the intron after coding-DNA position 5152, T replaced by G.
Molecular consequence: splice donor variant. On other transcripts: intron variant (2).
Genome position (GRCh38, 1-based): chr17:43,063,872, A>C on the plus strand (T>G on the coding strand, the complement: BRCA1 is on the minus strand). VCF-style: chr17-43063872-A-C. GRCh37 (hg19) VCF-style: chr17-41215889-A-C.
Other names: c.5008+2T>G (NM_001407733.1, NM_001407743.1, NM_001407735.1 and 21 more transcripts); c.1459+2T>G (NM_001408511.1); c.1702+2T>G (NM_001408457.1, NM_001408455.1, NM_001408452.1 and 3 more transcripts); c.5011+2T>G (NM_001407692.1, NM_001407729.1, NM_001407731.1 and 13 more transcripts); c.4768+2T>G (NM_001407960.1, NM_001407962.1); c.1573+2T>G (NM_001408505.1); c.4690+2T>G (NM_001407964.1); c.5005+2T>G (NM_001407844.1, NM_001407851.1, NM_001407842.1 and 12 more transcripts); and 73 more.
Identifiers: ClinVar variation 617736 (VCV000617736.6), dbSNP rs886040914, ClinGen allele CA10591238.